The following is an entry in ClinVar:

ClinVar aggregate classification (germline): Uncertain significance. Review status: criteria provided, multiple submitters, no conflicts (2 of 4 stars). 2 submissions from 2 submitters: Uncertain significance (2). Last evaluated 2025-08-02.

Conditions:
Inborn genetic diseases. Identifiers: MedGen C0950123, MeSH D030342.
Cerebral folate transport deficiency. Also called: FOLATE RECEPTOR DEFICIENCY; Cerebral folate deficiency syndrome; Neurodegenerative syndrome due to cerebral folate transport deficiency; FOLR1-Related Cerebral Folate Transport Deficiency; NEURODEGENERATION DUE TO CEREBRAL FOLATE TRANSPORT DEFICIENCY. Identifiers: Orphanet 217382, MedGen C2751584, MONDO:0013110, OMIM 613068. Disease mechanism: loss of function.

Allele frequency attached by ClinVar (database versions not stated): ExAC 0.00001; gnomAD exomes 0.00001 and 0.00002.
gnomAD v4.1: 7 of 1,614,044 alleles (0.00043%); highest among the groups gnomAD compares: Admixed American, 0.012%; no homozygotes.

Submissions (2):

Ambry Genetics
Classification: Uncertain significance for Inborn genetic diseases. Last evaluated: 2025-08-02. Review status: criteria provided, single submitter. Criteria: Ambry Variant Classification Scheme 2023. Collection method: clinical testing. Allele origin: germline.

Labcorp Genetics (formerly Invitae), Labcorp
Classification: Uncertain significance for Cerebral folate transport deficiency. Last evaluated: 2022-10-17. Review status: criteria provided, single submitter. Criteria: Invitae Variant Classification Sherloc (09022015). Collection method: clinical testing. Allele origin: germline.
Comment: This sequence change replaces phenylalanine, which is neutral and non-polar, with leucine, which is neutral and non-polar, at codon 228 of the FOLR1 protein (p.Phe228Leu). This variant is present in population databases (rs774152850, gnomAD 0.01%). This variant has not been reported in the literature in individuals affected with FOLR1-related conditions. ClinVar contains an entry for this variant (Variation ID: 952453). Advanced modeling of protein sequence and biophysical properties (such as structural, functional, and spatial information, amino acid conservation, physicochemical variation, residue mobility, and thermodynamic stability) performed at Invitae indicates that this missense variant is not expected to disrupt FOLR1 protein function. In summary, the available evidence is currently insufficient to determine the role of this variant in disease. Therefore, it has been classified as a Variant of Uncertain Significance.

NM_016729.3(FOLR1):c.682T>C (p.Phe228Leu)

Genes: FOLR1 (folate receptor alpha; plus strand), FOLR1-AS1 (FOLR1 antisense RNA 1; minus strand). Cytogenetic location: 11q13.4.
Variant type: single nucleotide variant.
Coding change: c.682T>C on transcript NM_016729.3 (MANE Select); coding-DNA position 682, T replaced by C.
Protein change: p.Phe228Leu; replaces phenylalanine 228 with leucine.
Molecular consequence: missense variant.
Genome position (GRCh38, 1-based): chr11:72,196,085, T>C. VCF-style: chr11-72196085-T-C. GRCh37 (hg19) VCF-style: chr11-71907129-T-C.
Other names: c.682T>C, p.Phe228Leu (NM_000802.3, NM_016724.3, NM_016725.3); short protein forms F228L.
Identifiers: ClinVar variation 952453 (VCV000952453.6), dbSNP rs774152850, ClinGen allele CA6169247.
Genomic context (GRCh38, chr11:72,196,085, plus strand): 5'-CGCTGCATCCAGATGTGGTTCGACCCAGCCCAGGGCAACCCCAATGAGGAGGTGGCGAGG[T>C]TCTATGCTGCAGCCATGAGTGGGGCTGGGCCCTGGGCAGCCTGGCCTTTCCTGCTTAGCC-3'
Protein context (NP_057941.1, residues 218-238): QGNPNEEVAR[Phe228Leu]YAAAMSGAGP